The following is an entry in ClinVar:

NM_000051.4(ATM):c.220T>A (p.Cys74Ser)

Gene: ATM (ATM serine/threonine kinase; plus strand). Cytogenetic location: 11q22.3.
Variant type: single nucleotide variant.
Coding change: c.220T>A on transcript NM_000051.4 (MANE Select); coding-DNA position 220, T replaced by A.
Protein change: p.Cys74Ser; replaces cysteine 74 with serine.
Molecular consequence: missense variant.
Genome position (GRCh38, 1-based): chr11:108,229,212, T>A. VCF-style: chr11-108229212-T-A. GRCh37 (hg19) VCF-style: chr11-108099939-T-A.
Other names: c.220T>A, p.Cys74Ser (NM_001351834.2, NM_001351835.2, NM_001351836.2); short protein forms C74S.
Identifiers: ClinVar variation 571332 (VCV000571332.6), dbSNP rs1565346819, ClinGen allele CA382521384.

ClinVar aggregate classification (germline): Uncertain significance (1 of 4 stars; one submission).

Conditions:
Ataxia-telangiectasia syndrome (AT). Also called: AT, COMPLEMENTATION GROUP C; Cerebello-oculocutaneous telangiectasia; Immunodeficiency with ataxia telangiectasia; Ataxia-telangiectasia, complementation group D; ATAXIA-TELANGIECTASIA, FRESNO VARIANT; Ataxia-telangiectasia, complementation group E. Identifiers: Orphanet 100, MedGen C0004135, MONDO:0008840, OMIM 208900.

Submission:

Labcorp Genetics (formerly Invitae), Labcorp
Classification: Uncertain significance for Ataxia-telangiectasia syndrome. Last evaluated: 2021-08-24. Review status: criteria provided, single submitter. Criteria: Invitae Variant Classification Sherloc (09022015). Collection method: clinical testing. Allele origin: germline.
Comment: This sequence change replaces cysteine with serine at codon 74 of the ATM protein (p.Cys74Ser). The cysteine residue is weakly conserved and there is a moderate physicochemical difference between cysteine and serine. This variant is not present in population databases (ExAC no frequency). This variant has not been reported in the literature in individuals affected with ATM-related conditions. Algorithms developed to predict the effect of missense changes on protein structure and function output the following: SIFT: "Tolerated"; PolyPhen-2: "Benign"; Align-GVGD: "Class C0". The serine amino acid residue is found in multiple mammalian species, which suggests that this missense change does not adversely affect protein function. In summary, the available evidence is currently insufficient to determine the role of this variant in disease. Therefore, it has been classified as a Variant of Uncertain Significance.